The following is an entry in ClinVar:

ClinVar aggregate classification (germline): Uncertain significance. Review status: criteria provided, multiple submitters, no conflicts (2 of 4 stars). 2 submissions from 2 submitters: Uncertain significance (2). Last evaluated 2025-03-23.

Conditions:
Inborn genetic diseases. Identifiers: MedGen C0950123, MeSH D030342.
Vanishing white matter disease. Also called: Childhood ataxia with diffuse central nervous system hypomyelination; Leukoencephalopathy with vanishing white matter; CACH/VWM syndrome; Cree leukoencehalopathy; CACH syndrome. Identifiers: Orphanet 135, Orphanet 99853, MedGen C1858991, MONDO:0800448.

Submissions (2):

Ambry Genetics
Classification: Uncertain significance for Inborn genetic diseases. Last evaluated: 2025-03-23. Review status: criteria provided, single submitter. Criteria: Ambry Variant Classification Scheme 2023. Collection method: clinical testing. Allele origin: germline.

Baylor Genetics
Classification: Uncertain significance for Leukoencephalopathy with vanishing white matter 1. Last evaluated: 2019-04-06. Review status: criteria provided, single submitter. Criteria: ACMG Guidelines, 2015. Collection method: clinical testing. Allele origin: unknown. Affected: yes.
Comment: This variant was determined to be of uncertain significance according to ACMG Guidelines, 2015 [PMID:25741868].

NM_001034116.2(EIF2B4):c.90A>C (p.Glu30Asp)

Gene: EIF2B4 (eukaryotic translation initiation factor 2B subunit delta; minus strand). Cytogenetic location: 2p23.3.
Variant type: single nucleotide variant.
Coding change: c.90A>C on transcript NM_001034116.2 (MANE Select); coding-DNA position 90, A replaced by C.
Protein change: p.Glu30Asp; replaces glutamic acid 30 with aspartic acid.
Molecular consequence: missense variant. On other transcripts: 5 prime UTR variant (3).
Genome position (GRCh38, 1-based): chr2:27,369,535, T>G on the plus strand (A>C on the coding strand, the complement: EIF2B4 is on the minus strand). VCF-style: chr2-27369535-T-G. GRCh37 (hg19) VCF-style: chr2-27592402-T-G.
Other names: c.153A>C, p.Glu51Asp (NM_001318965.2, NM_172195.4); c.45A>C, p.Glu15Asp (NM_001318966.2); c.-1A>C (NM_001318967.2); c.-426A>C (NM_001318968.2); c.-503A>C (NM_001318969.2); c.90A>C, p.Glu30Asp (NM_015636.4); short protein forms E30D, E51D, E15D.
Identifiers: ClinVar variation 1027991 (VCV001027991.2), dbSNP rs1682186320, ClinGen allele CA346203513.
Genomic context (GRCh38, chr2:27,369,535, plus strand): 5'-CCGTTTCTTCTTCTGCTGTTTCTTTTCCTTCCGAAGCTGCAGCTTTTCTTCTTTGGTCAT[T>G]TCCCTCCCCACTGCCTGAGACACAGACATAGGATACTGCTCTTCCCCAACAATTCCAAAG-3'
Protein context (NP_001029288.1, residues 20-40): LPPGPGAVGR[Glu30Asp]MTKEEKLQLR